The following is an entry in ClinVar:

ClinVar aggregate classification (germline): Uncertain significance (1 of 4 stars; one submission).

Conditions:
Hereditary cancer-predisposing syndrome. Also called: Hereditary Cancer Syndrome; Hereditary neoplastic syndrome; Tumor predisposition; Neoplastic Syndromes, Hereditary. Identifiers: Orphanet 140162, MedGen C0027672, MeSH D009386, MONDO:0015356.

Submission:

Ambry Genetics
Classification: Uncertain significance for Hereditary cancer-predisposing syndrome. Last evaluated: 2021-11-05. Review status: criteria provided, single submitter. Criteria: Ambry Variant Classification Scheme 2023. Collection method: clinical testing. Allele origin: germline.
Comment: The p.C763R variant (also known as c.2287T>C), located in coding exon 16 of the MSH3 gene, results from a T to C substitution at nucleotide position 2287. The cysteine at codon 763 is replaced by arginine, an amino acid with highly dissimilar properties. This amino acid position is conserved. In addition, this alteration is predicted to be tolerated by in silico analysis. Since supporting evidence is limited at this time, the clinical significance of this alteration remains unclear.

NM_002439.5(MSH3):c.2287T>C (p.Cys763Arg)

Gene: MSH3 (mutS homolog 3; plus strand). Cytogenetic location: 5q14.1.
Variant type: single nucleotide variant.
Coding change: c.2287T>C on transcript NM_002439.5 (MANE Select); coding-DNA position 2287, T replaced by C.
Protein change: p.Cys763Arg; replaces cysteine 763 with arginine.
Molecular consequence: missense variant.
Genome position (GRCh38, 1-based): chr5:80,775,727, T>C. VCF-style: chr5-80775727-T-C. GRCh37 (hg19) VCF-style: chr5-80071546-T-C.
Other names: short protein forms C763R.
Identifiers: ClinVar variation 1789035 (VCV001789035.2), dbSNP rs2546777874, ClinGen allele CA360280835.